The following is an entry in ClinVar:

NM_012469.4(PRPF6):c.214del (p.Asp72fs)

Gene: PRPF6 (pre-mRNA processing factor 6; plus strand). Cytogenetic location: 20q13.33.
Variant type: Deletion.
Coding change: c.214del on transcript NM_012469.4 (MANE Select); coding-DNA position 214, one base deleted (G; older notation c.214delG).
Protein change: p.Asp72fs; shifts the reading frame from aspartic acid 72.
Molecular consequence: frameshift variant.
Genome position (GRCh38, 1-based): chr20:63,983,189, G deleted; the last of 2 consecutive G bases (chr20:63,983,188-63,983,189); deleting either gives the same sequence. VCF-style (leftmost placement, unchanged base first): chr20-63983187-AG-A. GRCh37 (hg19) VCF-style: chr20-62614540-AG-A.
Other names: short protein forms D72fs.
Identifiers: ClinVar variation 3644231 (VCV003644231.2).

ClinVar aggregate classification (germline): Uncertain significance (1 of 4 stars; one submission).

Submission:

Labcorp Genetics (formerly Invitae), Labcorp
Classification: Uncertain significance. Last evaluated: 2024-03-02. Review status: criteria provided, single submitter. Criteria: Invitae Variant Classification Sherloc (09022015). Collection method: clinical testing. Allele origin: germline.
Comment: This sequence change creates a premature translational stop signal (p.Asp72Ilefs*2) in the PRPF6 gene. It is expected to result in an absent or disrupted protein product. However, the current clinical and genetic evidence is not sufficient to establish whether loss-of-function variants in PRPF6 cause disease. This variant is not present in population databases (gnomAD no frequency). This variant has not been reported in the literature in individuals affected with PRPF6-related conditions. In summary, the available evidence is currently insufficient to determine the role of this variant in disease. Therefore, it has been classified as a Variant of Uncertain Significance.